The following is an entry in ClinVar:

NM_000520.6(HEXA):c.229T>G (p.Ser77Ala)

Gene: HEXA (hexosaminidase subunit alpha; minus strand). Cytogenetic location: 15q23.
Variant type: single nucleotide variant.
Coding change: c.229T>G on transcript NM_000520.6 (MANE Select); coding-DNA position 229, T replaced by G.
Protein change: p.Ser77Ala; replaces serine 77 with alanine.
Molecular consequence: missense variant. On other transcripts: non-coding transcript variant (1).
Genome position (GRCh38, 1-based): chr15:72,375,744, A>C on the plus strand (T>G on the coding strand, the complement: HEXA is on the minus strand). VCF-style: chr15-72375744-A-C. GRCh37 (hg19) VCF-style: chr15-72668085-A-C.
Other names: c.229T>G, p.Ser77Ala (NM_001318825.2); short protein forms S77A.
Identifiers: ClinVar variation 2118752 (VCV002118752.4), dbSNP rs1595816116, ClinGen allele CA393070088.

ClinVar aggregate classification (germline): Uncertain significance (1 of 4 stars; one submission).

Conditions:
Tay-Sachs disease (TSD). Also called: HEXA DEFICIENCY; GM2 gangliosidosis, type 1; HEXA Disorders; Hexosaminidase alpha-subunit deficiency (variant B); Sphingolipidosis, Tay-Sachs; Hexosaminidase A Deficiency. Identifiers: Orphanet 845, MedGen C0039373, MONDO:0010100, OMIM 272800.

Submission:

Labcorp Genetics (formerly Invitae), Labcorp
Classification: Uncertain significance for Tay-Sachs disease. Last evaluated: 2022-03-28. Review status: criteria provided, single submitter. Criteria: Invitae Variant Classification Sherloc (09022015). Collection method: clinical testing. Allele origin: germline.
Comment: This variant has not been reported in the literature in individuals affected with HEXA-related conditions. In summary, the available evidence is currently insufficient to determine the role of this variant in disease. Therefore, it has been classified as a Variant of Uncertain Significance. Algorithms developed to predict the effect of missense changes on protein structure and function output the following: SIFT: "Tolerated"; PolyPhen-2: "Benign"; Align-GVGD: "Class C0". The alanine amino acid residue is found in multiple mammalian species, which suggests that this missense change does not adversely affect protein function. This variant is not present in population databases (gnomAD no frequency). This sequence change replaces serine, which is neutral and polar, with alanine, which is neutral and non-polar, at codon 77 of the HEXA protein (p.Ser77Ala).